The following is an entry in ClinVar:

ClinVar aggregate classification (germline): Uncertain significance. Review status: criteria provided, multiple submitters, no conflicts (2 of 4 stars). 2 submissions from 2 submitters: Uncertain significance (2). Last evaluated 2024-12-16.

Conditions:
Inborn genetic diseases. Identifiers: MedGen C0950123, MeSH D030342.

Allele frequency attached by ClinVar (database versions not stated): ExAC 0.00002; gnomAD exomes 0.00002; gnomAD 0.00003; TOPMed 0.00003; ESP Exome Variant Server 0.00008.
gnomAD v4.1: 36 of 1,613,842 alleles (0.0022%); highest among the groups gnomAD compares: Non-Finnish European, 0.003%; no homozygotes.

Submissions (2):

Labcorp Genetics (formerly Invitae), Labcorp
Classification: Uncertain significance. Last evaluated: 2024-12-16. Review status: criteria provided, single submitter. Criteria: Invitae Variant Classification Sherloc (09022015). Collection method: clinical testing. Allele origin: germline.
Comment: This sequence change replaces isoleucine, which is neutral and non-polar, with valine, which is neutral and non-polar, at codon 344 of the BMP2 protein (p.Ile344Val). This variant is present in population databases (rs145193697, gnomAD 0.005%). This variant has not been reported in the literature in individuals affected with BMP2-related conditions. ClinVar contains an entry for this variant (Variation ID: 2205596). An algorithm developed to predict the effect of missense changes on protein structure and function (PolyPhen-2) suggests that this variant is likely to be disruptive. In summary, the available evidence is currently insufficient to determine the role of this variant in disease. Therefore, it has been classified as a Variant of Uncertain Significance.

Ambry Genetics
Classification: Uncertain significance for Inborn genetic diseases. Last evaluated: 2022-04-22. Review status: criteria provided, single submitter. Criteria: Ambry Variant Classification Scheme 2023. Collection method: clinical testing. Allele origin: germline.

NM_001200.4(BMP2):c.1030A>G (p.Ile344Val)

Gene: BMP2 (bone morphogenetic protein 2; plus strand). Cytogenetic location: 20p12.3.
Variant type: single nucleotide variant.
Coding change: c.1030A>G on transcript NM_001200.4 (MANE Select); coding-DNA position 1030, A replaced by G.
Protein change: p.Ile344Val; replaces isoleucine 344 with valine.
Molecular consequence: missense variant.
Genome position (GRCh38, 1-based): chr20:6,778,928, A>G. VCF-style: chr20-6778928-A-G. GRCh37 (hg19) VCF-style: chr20-6759575-A-G.
Other names: short protein forms I344V.
Identifiers: ClinVar variation 2205596 (VCV002205596.5), dbSNP rs145193697, ClinGen allele CA9758775.
Genomic context (GRCh38, chr20:6,778,928, plus strand): 5'-TACTGCCACGGAGAATGCCCTTTTCCTCTGGCTGATCATCTGAACTCCACTAATCATGCC[A>G]TTGTTCAGACGTTGGTCAACTCTGTTAACTCTAAGATTCCTAAGGCATGCTGTGTCCCGA-3'
Protein context (NP_001191.1, residues 334-354): ADHLNSTNHA[Ile344Val]VQTLVNSVNS